The following is an entry in ClinVar:

ClinVar aggregate classification (germline): Benign (1 of 4 stars; one submission).

Conditions:
VPS13A-related neurodegenerative disease. Also called: Choreoacanthocytosis; Chorea-acanthocytosis; LEVINE-CRITCHLEY SYNDROME; Choreaacanthocytosis; ACANTHOCYTOSIS WITH NEUROLOGIC DISORDER; VPS13A Disease. Identifiers: Orphanet 2388, MedGen C0393576, MONDO:0008695, OMIM 200150.

Allele frequency attached by ClinVar (database versions not stated): gnomAD 0.01348 and 0.01392; TOPMed 0.01615; 1000 Genomes Project 0.02057; 1000 Genomes Project 30x 0.02202.

Submission:

Illumina Laboratory Services, Illumina
Classification: Benign for VPS13A-related neurodegenerative disease. Last evaluated: 2018-01-13. Review status: criteria provided, single submitter. Criteria: ICSL Variant Classification Criteria 13 December 2019. Collection method: clinical testing. Allele origin: germline.
Comment: This variant was observed in the ICSL laboratory as part of a predisposition screen in an ostensibly healthy population. It had not been previously curated by ICSL or reported in the Human Gene Mutation Database (HGMD: prior to June 1st, 2018), and was therefore a candidate for classification through an automated scoring system. Utilizing variant allele frequency, disease prevalence and penetrance estimates, and inheritance mode, an automated score was calculated to assess if this variant is too frequent to cause the disease. Based on the score and internal cut-off values, a variant classified as benign is not then subjected to further curation. The score for this variant resulted in a classification of benign for this disease.

NM_033305.3(VPS13A):c.*1186A>G

Gene: VPS13A (vacuolar protein sorting 13 homolog A; plus strand). Cytogenetic location: 9q21.2.
Variant type: single nucleotide variant.
Coding change: c.*1186A>G on transcript NM_033305.3 (MANE Select); 1186 bases downstream of the stop codon, A replaced by G.
Molecular consequence: 3 prime UTR variant.
Genome position (GRCh38, 1-based): chr9:77,417,192, A>G. VCF-style: chr9-77417192-A-G. GRCh37 (hg19) VCF-style: chr9-80032108-A-G.
Other names: c.*1186A>G (NM_001018037.2).
Identifiers: ClinVar variation 367447 (VCV000367447.5), dbSNP rs3177, ClinGen allele CA10634048.